The following is an entry in ClinVar:

ClinVar aggregate classification (germline): Uncertain significance (1 of 4 stars; one submission).

Submission:

Labcorp Genetics (formerly Invitae), Labcorp
Classification: Uncertain significance. Last evaluated: 2025-01-08. Review status: criteria provided, single submitter. Criteria: Invitae Variant Classification Sherloc (09022015). Collection method: clinical testing. Allele origin: germline.
Comment: This sequence change replaces glutamic acid, which is acidic and polar, with glutamine, which is neutral and polar, at codon 438 of the TUBB3 protein (p.Glu438Gln). This variant is present in population databases (no rsID available, gnomAD 0.02%). This variant has not been reported in the literature in individuals affected with TUBB3-related conditions. ClinVar contains an entry for this variant (Variation ID: 644964). Experimental studies and prediction algorithms are not available or were not evaluated, and the functional significance of this variant is currently unknown. In summary, the available evidence is currently insufficient to determine the role of this variant in disease. Therefore, it has been classified as a Variant of Uncertain Significance.

NM_006086.4(TUBB3):c.1312G>C (p.Glu438Gln)

Gene: TUBB3 (tubulin beta 3 class III; plus strand). Cytogenetic location: 16q24.3.
Variant type: single nucleotide variant.
Coding change: c.1312G>C on transcript NM_006086.4 (MANE Select); coding-DNA position 1312, G replaced by C.
Protein change: p.Glu438Gln; replaces glutamic acid 438 with glutamine.
Molecular consequence: missense variant.
Genome position (GRCh38, 1-based): chr16:89,935,763, G>C. VCF-style: chr16-89935763-G-C. GRCh37 (hg19) VCF-style: chr16-90002171-G-C.
Other names: c.1096G>C, p.Glu366Gln (NM_001197181.2); short protein forms E438Q, E366Q.
Identifiers: ClinVar variation 644964 (VCV000644964.8), dbSNP rs11554952, ClinGen allele CA397477216.